The following is an entry in ClinVar:

ClinVar aggregate classification (germline): Uncertain significance (1 of 4 stars; one submission).

Submission:

Labcorp Genetics (formerly Invitae), Labcorp
Classification: Uncertain significance. Last evaluated: 2021-04-22. Review status: criteria provided, single submitter. Criteria: Invitae Variant Classification Sherloc (09022015). Collection method: clinical testing. Allele origin: germline.
Comment: In summary, the available evidence is currently insufficient to determine the role of this variant in disease. Therefore, it has been classified as a Variant of Uncertain Significance. Algorithms developed to predict the effect of missense changes on protein structure and function are either unavailable or do not agree on the potential impact of this missense change (SIFT: "Not Available"; PolyPhen-2: "Benign"; Align-GVGD: "Not Available"). This variant has not been reported in the literature in individuals with ADSSL1-related conditions. The frequency data for this variant in the population databases is considered unreliable, as metrics indicate insufficient coverage at this position in the ExAC database. This sequence change replaces glycine with arginine at codon 99 of the ADSSL1 protein (p.Gly99Arg). There is a moderate physicochemical difference between glycine and arginine.

NM_152328.5(ADSS1):c.193-4833G>A

Gene: ADSS1 (adenylosuccinate synthase 1; plus strand). Cytogenetic location: 14q32.33.
Variant type: single nucleotide variant.
Coding change: c.193-4833G>A on transcript NM_152328.5 (MANE Select); 4833 bases into the intron before coding-DNA position 193, G replaced by A.
Molecular consequence: intron variant. On other transcripts: 5 prime UTR variant (1), missense variant (1).
Genome position (GRCh38, 1-based): chr14:104,730,187, G>A. VCF-style: chr14-104730187-G-A. GRCh37 (hg19) VCF-style: chr14-105196524-G-A.
Other names: c.-433G>A (NM_001320424.1); c.295G>A, p.Gly99Arg (NM_199165.2); short protein forms G99R.
Identifiers: ClinVar variation 1681892 (VCV001681892.6), dbSNP rs1890870566, ClinGen allele CA391233256.